The following is an entry in ClinVar:

NM_000444.6(PHEX):c.2032T>C (p.Phe678Leu)

Genes: PHEX (phosphate regulating endopeptidase X-linked; plus strand), PTCHD1-AS (PTCHD1 and PHEX antisense RNA; minus strand). Cytogenetic location: Xp22.11.
Variant type: single nucleotide variant.
Coding change: c.2032T>C on transcript NM_000444.6 (MANE Select); coding-DNA position 2032, T replaced by C.
Protein change: p.Phe678Leu; replaces phenylalanine 678 with leucine.
Molecular consequence: missense variant. On other transcripts: non-coding transcript variant (1).
Genome position (GRCh38, 1-based): chrX:22,227,573, T>C. VCF-style: chrX-22227573-T-C. GRCh37 (hg19) VCF-style: chrX-22245690-T-C.
Other names: c.2032T>C, p.Phe678Leu (NM_001282754.2); short protein forms F678L.
Identifiers: ClinVar variation 5020322 (VCV005020322.1).
Genomic context (GRCh38, chrX:22,227,573, plus strand): 5'-AGGAAATGGATAAATGACAGAAGGCAGGGACTTGAGGAGCCTCTTCTACCAGGCATCACA[T>C]TCACCAACAACCAGCTCTTCTTCCTGAGTTATGCTCATGTGAGTAGACTGAGGAAGGGGC-3'
Protein context (NP_000435.3, residues 668-688): LEEPLLPGIT[Phe678Leu]TNNQLFFLSY

ClinVar aggregate classification (germline): Uncertain significance (1 of 4 stars; one submission).

gnomAD v4.1: 1 of 1,207,958 alleles (0.000083%); highest among the groups gnomAD compares: South Asian, 0.0018%; no homozygotes.

Submission:

Dasa
Classification: Uncertain significance. Last evaluated: 2026-08-10. Review status: criteria provided, single submitter. Criteria: DASA Assertion Criteria. Collection method: clinical testing. Allele origin: germline.
Comment: NM_000444.6(PHEX):c.2032T>C (p.Phe678Leu) is a missense variant that results in the substitution of phenylalanine with leucine. The affected residue or protein region has prior evidence supporting clinical relevance. This variant is rare in population databases. The currently available literature and clinical evidence are not sufficient to establish a definitive association between this variant and the reported condition. Therefore, this variant is classified as a variant of uncertain significance.